The following is an entry in ClinVar:

ClinVar aggregate classification (germline): Uncertain significance (1 of 4 stars; one submission).

Allele frequency attached by ClinVar (database versions not stated): gnomAD exomes below 0.00001.
gnomAD v4.1: 1 of 1,614,218 alleles (0.000062%); highest among the groups gnomAD compares: Non-Finnish European, 0.000085%; no homozygotes.

Submission:

Labcorp Genetics (formerly Invitae), Labcorp
Classification: Uncertain significance. Last evaluated: 2022-04-28. Review status: criteria provided, single submitter. Criteria: Invitae Variant Classification Sherloc (09022015). Collection method: clinical testing. Allele origin: germline.
Comment: This sequence change creates a premature translational stop signal (p.Ser362*) in the SEMA4A gene. It is expected to result in an absent or disrupted protein product. However, the current clinical and genetic evidence is not sufficient to establish whether loss-of-function variants in SEMA4A cause disease. In summary, the available evidence is currently insufficient to determine the role of this variant in disease. Therefore, it has been classified as a Variant of Uncertain Significance. Algorithms developed to predict the effect of sequence changes on RNA splicing suggest that this variant may disrupt the consensus splice site. This variant has not been reported in the literature in individuals affected with SEMA4A-related conditions. This variant is not present in population databases (gnomAD no frequency).

NM_022367.4(SEMA4A):c.1085C>A (p.Ser362Ter)

Gene: SEMA4A (semaphorin 4A; plus strand). Cytogenetic location: 1q22.
Variant type: single nucleotide variant.
Coding change: c.1085C>A on transcript NM_022367.4 (MANE Select); coding-DNA position 1085, C replaced by A.
Protein change: p.Ser362Ter; replaces serine 362 with a stop codon.
Molecular consequence: nonsense.
Genome position (GRCh38, 1-based): chr1:156,163,045, C>A. VCF-style: chr1-156163045-C-A. GRCh37 (hg19) VCF-style: chr1-156132836-C-A.
Other names: c.1085C>A, p.Ser362Ter (NM_001193300.2, NM_001193301.2, NM_001370567.1); c.689C>A, p.Ser230Ter (NM_001193302.2); c.788C>A, p.Ser263Ter (NM_001370568.1); c.578C>A, p.Ser193Ter (NM_001370569.1, NM_001370571.1); short protein forms S230*, S193*, S362*, S263*.
Identifiers: ClinVar variation 1910013 (VCV001910013.5), dbSNP rs2528190800, ClinGen allele CA342840666.